The following is an entry in ClinVar:

ClinVar aggregate classification (germline): Uncertain significance (1 of 4 stars; one submission).

Conditions:
Inborn genetic diseases. Identifiers: MedGen C0950123, MeSH D030342.

Submission:

Ambry Genetics
Classification: Uncertain significance for Inborn genetic diseases. Last evaluated: 2025-12-07. Review status: criteria provided, single submitter. Criteria: Ambry Variant Classification Scheme 2023. Collection method: clinical testing. Allele origin: germline.
Comment: The p.I1174T variant (also known as c.3521T>C), located in coding exon 24 of the ANKRD26 gene, results from a T to C substitution at nucleotide position 3521. The isoleucine at codon 1174 is replaced by threonine, an amino acid with similar properties. This amino acid position is conserved. In addition, this alteration is predicted to be tolerated by in silico analysis. Based on the available evidence, the clinical significance of this variant remains unclear.

NM_014915.3(ANKRD26):c.3521T>C (p.Ile1174Thr)

Gene: ANKRD26 (ankyrin repeat domain 26; minus strand). Cytogenetic location: 10p12.1.
Variant type: single nucleotide variant.
Coding change: c.3521T>C on transcript NM_014915.3 (MANE Select); coding-DNA position 3521, T replaced by C.
Protein change: p.Ile1174Thr; replaces isoleucine 1174 with threonine.
Molecular consequence: missense variant.
Genome position (GRCh38, 1-based): chr10:27,034,929, A>G on the plus strand (T>C on the coding strand, the complement: ANKRD26 is on the minus strand). VCF-style: chr10-27034929-A-G. GRCh37 (hg19) VCF-style: chr10-27323858-A-G.
Other names: c.3518T>C, p.Ile1173Thr (NM_001256053.2); short protein forms I1174T, I1173T.
Identifiers: ClinVar variation 4580377 (VCV004580377.1).
Genomic context (GRCh38, chr10:27,034,929, plus strand): 5'-TTATTTCTTTCTTCTAGCAGAAGACTTTGCTTTTCACTCTCAGCTTGAAGTTTTTGCACA[A>G]TAGCATGAAACTGGTCTTGGATATTAATCACTGTCTTCTCTTTATTGTCAGCCTTGTTGT-3'
Protein context (NP_055730.2, residues 1164-1184): VINIQDQFHA[Ile1174Thr]VQKLQAESEK